The following is an entry in ClinVar:

NM_152743.4(BRAT1):c.1164G>A (p.Ala388=)

Gene: BRAT1 (BRCA1 associated ATM activator 1; minus strand). Cytogenetic location: 7p22.3.
Variant type: single nucleotide variant.
Coding change: c.1164G>A on transcript NM_152743.4 (MANE Select); coding-DNA position 1164, G replaced by A.
Protein change: p.Ala388=; no amino-acid change (alanine 388 retained).
Molecular consequence: synonymous variant. On other transcripts: non-coding transcript variant (1).
Genome position (GRCh38, 1-based): chr7:2,541,455, C>T on the plus strand (G>A on the coding strand, the complement: BRAT1 is on the minus strand). VCF-style: chr7-2541455-C-T. GRCh37 (hg19) VCF-style: chr7-2581089-C-T.
Other names: c.1164G>A, p.Ala388= (NM_001350626.2); c.639G>A, p.Ala213= (NM_001350627.2).
Identifiers: ClinVar variation 757425 (VCV000757425.37), dbSNP rs201141165, ClinGen allele CA4127890.
Genomic context (GRCh38, chr7:2,541,455, plus strand): 5'-GGCAGGGGCAGCCGAGCCGTCACAGAGCCGCAGGACAGTCACTGTAGCCCCCAGTAGAGA[C>T]GCCTGGGGCCACGGTGAAGGGCGCTGGGGCTGCGAGGAAGAGGGCCGTCAGCCAAGGTTG-3'
Protein context (NP_689956.2, residues 378-398): LPQRPSPWPQ[Ala388=]SLLGATVTVL

ClinVar aggregate classification (germline): Likely benign. Review status: criteria provided, multiple submitters, no conflicts (2 of 4 stars). 4 submissions from 4 submitters: Likely benign (4). Last evaluated 2025-10-28.

Conditions:
Neonatal-onset encephalopathy with rigidity and seizures. Also called: Lethal neonatal spasticity-epileptic encephalopathy syndrome. Identifiers: Orphanet 435845, MedGen C3281029, MONDO:0013784, OMIM 614498.

Allele frequency attached by ClinVar (database versions not stated): gnomAD exomes 0.00006 and 0.00012; TOPMed 0.00008; gnomAD 0.00009 and 0.00011; 1000 Genomes Project 30x 0.00016; 1000 Genomes Project 0.00020; ExAC 0.00028.
gnomAD v4.1: 101 of 1,560,466 alleles (0.0065%); highest among the groups gnomAD compares: Admixed American, 0.021%; no homozygotes.

Submissions (4):

Labcorp Genetics (formerly Invitae), Labcorp
Classification: Likely benign for Neonatal-onset encephalopathy with rigidity and seizures. Last evaluated: 2025-10-28. Review status: criteria provided, single submitter. Criteria: Invitae Variant Classification Sherloc (09022015). Collection method: clinical testing. Allele origin: germline.

Blueprint Genetics
Classification: Likely benign. Last evaluated: 2024-05-13. Review status: criteria provided, single submitter. Criteria: ACMG Guidelines, 2015. Collection method: clinical testing. Allele origin: germline.

CeGaT Center for Human Genetics Tuebingen
Classification: Likely benign. Last evaluated: 2022-04-01. Review status: criteria provided, single submitter. Criteria: CeGaT Center For Human Genetics Tuebingen Variant Classification Criteria Version 2. Collection method: clinical testing. Allele origin: germline. Affected: yes. Observed: 1 variant allele.
Comment: BRAT1: BP4, BP7

GeneDx
Classification: Likely benign. Last evaluated: 2021-04-07. Review status: criteria provided, single submitter. Criteria: GeneDx Variant Classification Process June 2021. Collection method: clinical testing. Allele origin: germline. Affected: yes.